The following is an entry in ClinVar:

ClinVar aggregate classification (germline): Likely benign (1 of 4 stars; one submission).

Allele frequency attached by ClinVar (database versions not stated): 1000 Genomes Project 30x 0.00250; 1000 Genomes Project 0.00280; TOPMed 0.00332; ESP Exome Variant Server 0.00384.

Submission:

CeGaT Center for Human Genetics Tuebingen
Classification: Likely benign. Last evaluated: 2026-03-01. Review status: criteria provided, single submitter. Criteria: CeGaT Center For Human Genetics Tuebingen Variant Classification Criteria Version 2. Collection method: clinical testing. Allele origin: germline. Affected: yes. Observed: 3 variant alleles.
Comment: SMARCC2: BP4, BP7, BS1

NM_001330288.2(SMARCC2):c.1461C>T (p.Arg487=)

Gene: SMARCC2 (SWI/SNF related BAF chromatin remodeling complex subunit C2; minus strand). Cytogenetic location: 12q13.2.
Variant type: single nucleotide variant.
Coding change: c.1461C>T on transcript NM_001330288.2 (MANE Select); coding-DNA position 1461, C replaced by T.
Protein change: p.Arg487=; no amino-acid change (arginine 487 retained).
Molecular consequence: synonymous variant.
Genome position (GRCh38, 1-based): chr12:56,174,686, G>A on the plus strand (C>T on the coding strand, the complement: SMARCC2 is on the minus strand). VCF-style: chr12-56174686-G-A. GRCh37 (hg19) VCF-style: chr12-56568470-G-A.
Other names: c.1461C>T, p.Arg487= (NM_001130420.3, NM_003075.5, NM_139067.4).
Identifiers: ClinVar variation 2643080 (VCV002643080.24), dbSNP rs141362558, ClinGen allele CA6626041.
Genomic context (GRCh38, chr12:56,174,686, plus strand): 5'-CCTTCCCCTCAGCCACAAGACCCACCTCATGATGGCACAGACATCACCCGCTAGGTTTCG[G>A]CGGCAGGCGGTAGAGGTAAGATACTCTTGGGGGTTCAGTCGGTAAGTGTCAATCATAAAG-3'
Protein context (NP_001317217.1, residues 477-497): PQEYLTSTAC[Arg487=]RNLAGDVCAI